The following is an entry in ClinVar:

ClinVar aggregate classification (germline): Uncertain significance. Review status: criteria provided, multiple submitters, no conflicts (2 of 4 stars). 2 submissions from 2 submitters: Uncertain significance (2). Last evaluated 2025-08-07.

Conditions:
Hereditary cancer-predisposing syndrome. Also called: Tumor predisposition; Hereditary neoplastic syndrome; Neoplastic Syndromes, Hereditary; Hereditary Cancer Syndrome. Identifiers: Orphanet 140162, MedGen C0027672, MeSH D009386, MONDO:0015356.
Chuvash polycythemia. Also called: POLYCYTHEMIA, VHL-DEPENDENT. Identifiers: Orphanet 238557, MedGen C1837915, MONDO:0009892, OMIM 263400.
Von Hippel-Lindau syndrome (VHLS). Also called: Von Hippel-Lindau; VHL syndrome; von Hippel–Lindau syndrome. Identifiers: Orphanet 892, MedGen C0019562, MONDO:0008667, OMIM 193300. Disease mechanism: loss of function.

Submissions (2):

Ambry Genetics
Classification: Uncertain significance for Hereditary cancer-predisposing syndrome. Last evaluated: 2025-08-07. Review status: criteria provided, single submitter. Criteria: Ambry Variant Classification Scheme 2023. Collection method: clinical testing. Allele origin: germline.
Comment: The p.V20D variant (also known as c.59T>A), located in coding exon 1 of the VHL gene, results from a T to A substitution at nucleotide position 59. The valine at codon 20 is replaced by aspartic acid, an amino acid with highly dissimilar properties. This amino acid position is poorly conserved in available vertebrate species. In addition, this alteration is predicted to be tolerated by in silico analysis. Based on the available evidence, the clinical significance of this variant remains unclear.

Labcorp Genetics (formerly Invitae), Labcorp
Classification: Uncertain significance for Von Hippel-Lindau syndrome; Chuvash polycythemia. Last evaluated: 2022-03-04. Review status: criteria provided, single submitter. Criteria: Invitae Variant Classification Sherloc (09022015). Collection method: clinical testing. Allele origin: germline.
Comment: This sequence change replaces valine, which is neutral and non-polar, with aspartic acid, which is acidic and polar, at codon 20 of the VHL protein (p.Val20Asp). This variant is not present in population databases (gnomAD no frequency). This variant has not been reported in the literature in individuals affected with VHL-related conditions. Advanced modeling of protein sequence and biophysical properties (such as structural, functional, and spatial information, amino acid conservation, physicochemical variation, residue mobility, and thermodynamic stability) performed at Invitae indicates that this missense variant is not expected to disrupt VHL protein function. In summary, the available evidence is currently insufficient to determine the role of this variant in disease. Therefore, it has been classified as a Variant of Uncertain Significance.

NM_000551.4(VHL):c.59T>A (p.Val20Asp)

Gene: VHL (von Hippel-Lindau tumor suppressor; plus strand). Cytogenetic location: 3p25.3.
Variant type: single nucleotide variant.
Coding change: c.59T>A on transcript NM_000551.4 (MANE Select); coding-DNA position 59, T replaced by A.
Protein change: p.Val20Asp; replaces valine 20 with aspartic acid.
Molecular consequence: missense variant.
Genome position (GRCh38, 1-based): chr3:10,141,906, T>A. VCF-style: chr3-10141906-T-A. GRCh37 (hg19) VCF-style: chr3-10183590-T-A.
Other names: c.59T>A (NM_000551.3); c.59T>A, p.Val20Asp (NM_001354723.2, NM_198156.3); short protein forms V20D.
Identifiers: ClinVar variation 1503615 (VCV001503615.7), dbSNP rs929332564, ClinGen allele CA351747322.
Genomic context (GRCh38, chr3:10,141,906, plus strand): 5'-GAATGCCCCGGAGGGCGGAGAACTGGGACGAGGCCGAGGTAGGCGCGGAGGAGGCAGGCG[T>A]CGAAGAGTACGGCCCTGAAGAAGACGGCGGGGAGGAGTCGGGCGCCGAGGAGTCCGGCCC-3'
Protein context (NP_000542.1, residues 10-30): EAEVGAEEAG[Val20Asp]EEYGPEEDGG